The following is an entry in ClinVar:

NM_015378.4(VPS13D):c.7233T>G (p.His2411Gln)

Gene: VPS13D (vacuolar protein sorting 13 homolog D; plus strand). Cytogenetic location: 1p36.22.
Variant type: single nucleotide variant.
Coding change: c.7233T>G on transcript NM_015378.4 (MANE Select); coding-DNA position 7233, T replaced by G.
Protein change: p.His2411Gln; replaces histidine 2411 with glutamine.
Molecular consequence: missense variant.
Genome position (GRCh38, 1-based): chr1:12,318,156, T>G. VCF-style: chr1-12318156-T-G. GRCh37 (hg19) VCF-style: chr1-12378213-T-G.
Other names: p.His2411Gln; c.7233T>G, p.His2411Gln (NM_018156.4); c.7233T>G (NM_015378.2); short protein forms H2411Q.
Identifiers: ClinVar variation 2151176 (VCV002151176.5), dbSNP rs138619912, ClinGen allele CA602787.

ClinVar aggregate classification (germline): Uncertain significance. Review status: criteria provided, multiple submitters, no conflicts (2 of 4 stars). 3 submissions from 3 submitters: Uncertain significance (3). Last evaluated 2025-08-04.

Conditions:
Inborn genetic diseases. Identifiers: MedGen C0950123, MeSH D030342.

Allele frequency attached by ClinVar (database versions not stated): ExAC 0.00002; gnomAD exomes 0.00003; gnomAD 0.00001; TOPMed 0.00003; ESP Exome Variant Server 0.00008.
gnomAD v4.1: 39 of 1,614,072 alleles (0.0024%); highest among the groups gnomAD compares: Non-Finnish European, 0.0032%; no homozygotes.

Submissions (3):

Ambry Genetics
Classification: Uncertain significance for Inborn genetic diseases. Last evaluated: 2025-08-04. Review status: criteria provided, single submitter. Criteria: Ambry Variant Classification Scheme 2023. Collection method: clinical testing. Allele origin: germline.

Mayo Clinic Laboratories, Mayo Clinic
Classification: Uncertain significance. Last evaluated: 2025-02-22. Review status: criteria provided, single submitter. Criteria: ACMG Guidelines, 2015. Collection method: clinical testing. Allele origin: germline. Observed: 1 variant allele.
Comment: BP4

Labcorp Genetics (formerly Invitae), Labcorp
Classification: Uncertain significance. Last evaluated: 2022-05-22. Review status: criteria provided, single submitter. Criteria: Invitae Variant Classification Sherloc (09022015). Collection method: clinical testing. Allele origin: germline.
Comment: In summary, the available evidence is currently insufficient to determine the role of this variant in disease. Therefore, it has been classified as a Variant of Uncertain Significance. Algorithms developed to predict the effect of missense changes on protein structure and function are either unavailable or do not agree on the potential impact of this missense change (SIFT: "Tolerated"; PolyPhen-2: "Possibly Damaging"; Align-GVGD: "Class C0"). This sequence change replaces histidine, which is basic and polar, with glutamine, which is neutral and polar, at codon 2411 of the VPS13D protein (p.His2411Gln). This variant is present in population databases (rs138619912, gnomAD 0.007%). This variant has not been reported in the literature in individuals affected with VPS13D-related conditions.